The following is an entry in ClinVar:

ClinVar aggregate classification (germline): Benign/Likely benign. Review status: criteria provided, multiple submitters, no conflicts (2 of 4 stars). 9 submissions from 9 submitters: Benign (5); Likely benign (3). 1 of the submissions does not count toward it. Last evaluated 2026-01-24.

Conditions:
TSC2-related disorder. Also called: TSC2-related condition; TSC2-Related Disorders.
Hereditary cancer-predisposing syndrome. Also called: Neoplastic Syndromes, Hereditary; Hereditary Cancer Syndrome; Tumor predisposition; Hereditary neoplastic syndrome. Identifiers: Orphanet 140162, MedGen C0027672, MeSH D009386, MONDO:0015356.
Tuberous sclerosis syndrome (TSC). Also called: Tuberous Sclerosis Complex; Tuberous sclerosis. Identifiers: Orphanet 805, MedGen C0041341, MONDO:0001734.
Tuberous sclerosis 2 (TSC2). Identifiers: Orphanet 805, MedGen C1860707, MONDO:0013199, OMIM 613254.

Allele frequency attached by ClinVar (database versions not stated): gnomAD exomes 0.00004; ExAC 0.00006; ESP Exome Variant Server 0.00015; gnomAD 0.00019 and 0.00022; TOPMed 0.00022.
gnomAD v4.1: 67 of 1,608,752 alleles (0.0042%); highest among the groups gnomAD compares: African/African-American, 0.07%; no homozygotes.

Submissions (9):

Labcorp Genetics (formerly Invitae), Labcorp
Classification: Benign for Tuberous sclerosis 2. Last evaluated: 2026-01-24. Review status: criteria provided, single submitter. Criteria: Invitae Variant Classification Sherloc (09022015). Collection method: clinical testing. Allele origin: germline.

Color Diagnostics, LLC DBA Color Health
Classification: Benign for Tuberous sclerosis syndrome. Last evaluated: 2025-07-03. Review status: criteria provided, single submitter. Criteria: ACMG Guidelines, 2015. Collection method: clinical testing. Allele origin: germline.

Myriad Genetics, Inc.
Classification: Likely benign for Tuberous sclerosis 2. Last evaluated: 2024-08-20. Review status: criteria provided, single submitter. Criteria: Myriad Autosomal Dominant, Autosomal Recessive and X-Linked Classification Criteria (2023). Collection method: clinical testing. Allele origin: unknown.
Comment: This variant is considered likely benign. This variant has been observed at a population frequency that is significantly greater than expected given the associated disease prevalence and penetrance.

Quest Diagnostics Nichols Institute San Juan Capistrano
Classification: Benign. Last evaluated: 2022-03-21. Review status: criteria provided, single submitter. Criteria: Quest Diagnostics criteria. Collection method: clinical testing. Allele origin: unknown.
Comment: The frequency of this variant in the general population is higher than would generally be expected for pathogenic variants in this gene. Computational tools predict this amino acid change may be benign. This variant has been seen where an alternate explanation for disease was also identified.

Sema4
Classification: Likely benign for Hereditary cancer-predisposing syndrome. Last evaluated: 2021-12-07. Review status: criteria provided, single submitter. Criteria: Sema4 Curation Guidelines. Collection method: curation. Allele origin: germline.

Genome-Nilou Lab
Classification: Benign for Tuberous sclerosis 2. Last evaluated: 2021-11-07. Review status: criteria provided, single submitter. Criteria: ACMG Guidelines, 2015. Collection method: clinical testing. Allele origin: germline. Affected: no.

GeneDx
Classification: Benign. Last evaluated: 2020-03-13. Review status: criteria provided, single submitter. Criteria: GeneDx Variant Classification Process June 2021. Collection method: clinical testing. Allele origin: germline. Affected: yes.

Ambry Genetics
Classification: Likely benign for Hereditary cancer-predisposing syndrome. Last evaluated: 2018-09-11. Review status: criteria provided, single submitter. Criteria: Ambry Variant Classification Scheme 2023. Collection method: clinical testing. Allele origin: germline.

PreventionGenetics, part of Exact Sciences
Classification: Likely benign for TSC2-related condition. Last evaluated: 2021-11-09. Review status: no assertion criteria provided. Collection method: clinical testing. Allele origin: germline. Not counted in ClinVar's aggregate classification.
Comment: This variant is classified as likely benign based on ACMG/AMP sequence variant interpretation guidelines (Richards et al. 2015 PMID: 25741868, with internal and published modifications).

NM_000548.5(TSC2):c.4045G>A (p.Ala1349Thr)

Gene: TSC2 (TSC complex subunit 2; plus strand). Cytogenetic location: 16p13.3.
Variant type: single nucleotide variant.
Coding change: c.4045G>A on transcript NM_000548.5 (MANE Select); coding-DNA position 4045, G replaced by A.
Protein change: p.Ala1349Thr; replaces alanine 1349 with threonine.
Molecular consequence: missense variant.
Genome position (GRCh38, 1-based): chr16:2,084,267, G>A. VCF-style: chr16-2084267-G-A. GRCh37 (hg19) VCF-style: chr16-2134268-G-A.
Other names: p.A1349T:GCG>ACG; c.3844G>A, p.Ala1282Thr (NM_001077183.3); c.3976G>A, p.Ala1326Thr (NM_001114382.3); c.3736G>A, p.Ala1246Thr (NM_001318827.2); c.3700G>A, p.Ala1234Thr (NM_001318829.2); c.3313G>A, p.Ala1105Thr (NM_001318831.2); c.3877G>A, p.Ala1293Thr (NM_001318832.2); c.3847G>A, p.Ala1283Thr (NM_001363528.2); and 3 more; short protein forms A1349T, A1305T, A1306T, A1105T, A1234T, A1293T, A1326T, A1246T.
Identifiers: ClinVar variation 207751 (VCV000207751.27), dbSNP rs146239734, ClinGen allele CA050290.
Genomic context (GRCh38, chr16:2,084,267, plus strand): 5'-CTTTGGGATGGTCCTTTCTAGTCGTCCTCAGTCTCCAGCCAGGAGGAGAAGTCGCTCCAC[G>A]CGGAGGAGCTGGTTGGCAGGGGCATCCCCATCGAGCGAGTCGTCTCCTCGGAGGGTGGCC-3'
Protein context (NP_000539.2, residues 1339-1359): VSSQEEKSLH[Ala1349Thr]EELVGRGIPI